The following is an entry in ClinVar:

NM_001128840.3(CACNA1D):c.5321T>A (p.Ile1774Asn)

Gene: CACNA1D (calcium voltage-gated channel subunit alpha1 D; plus strand). Cytogenetic location: 3p21.1.
Variant type: single nucleotide variant.
Coding change: c.5321T>A on transcript NM_001128840.3 (MANE Select); coding-DNA position 5321, T replaced by A.
Protein change: p.Ile1774Asn; replaces isoleucine 1774 with asparagine.
Molecular consequence: missense variant.
Genome position (GRCh38, 1-based): chr3:53,801,338, T>A. VCF-style: chr3-53801338-T-A. GRCh37 (hg19) VCF-style: chr3-53835365-T-A.
Other names: c.5381T>A, p.Ile1794Asn (NM_000720.4); c.5276T>A, p.Ile1759Asn (NM_001128839.3); short protein forms I1759N, I1774N, I1794N.
Identifiers: ClinVar variation 1953629 (VCV001953629.5), dbSNP rs758936849, ClinGen allele CA2455103.

ClinVar aggregate classification (germline): Uncertain significance (1 of 4 stars; one submission).

Allele frequency attached by ClinVar (database versions not stated): ExAC 0.00001; gnomAD 0.00001; TOPMed 0.00002.
gnomAD v4.1: 14 of 1,614,090 alleles (0.00087%); highest among the groups gnomAD compares: Admixed American, 0.0033%; no homozygotes.

Submission:

Labcorp Genetics (formerly Invitae), Labcorp
Classification: Uncertain significance. Last evaluated: 2025-08-24. Review status: criteria provided, single submitter. Criteria: Invitae Variant Classification Sherloc (09022015). Collection method: clinical testing. Allele origin: germline.
Comment: This sequence change replaces isoleucine, which is neutral and non-polar, with asparagine, which is neutral and polar, at codon 1794 of the CACNA1D protein (p.Ile1794Asn). This variant is present in population databases (rs758936849, gnomAD 0.006%). This variant has not been reported in the literature in individuals affected with CACNA1D-related conditions. ClinVar contains an entry for this variant (Variation ID: 1953629). An algorithm developed to predict the effect of missense changes on protein structure and function (PolyPhen-2) suggests that this variant is likely to be tolerated. In summary, the available evidence is currently insufficient to determine the role of this variant in disease. Therefore, it has been classified as a Variant of Uncertain Significance.